The following is an entry in ClinVar:

ClinVar aggregate classification (germline): Uncertain significance (1 of 4 stars; one submission).

Conditions:
Congenital myasthenic syndrome 20. Also called: Myasthenic syndrome, congenital, 20, presynaptic. Identifiers: MedGen C4310694, MONDO:0014939, OMIM 617143.
Neuronopathy, distal hereditary motor, type 7A. Also called: NEURONOPATHY, DISTAL HEREDITARY MOTOR, HARDING TYPE VIIA; NEUROPATHY, DISTAL HEREDITARY MOTOR, HARDING TYPE VIIA; Neuronopathy, distal hereditary motor, autosomal dominant 7; Neuronopathy, distal hereditary motor, type viia; HARPER-YOUNG MYOPATHY; HMN VIIA. Identifiers: Orphanet 139589, MedGen C1834703, MONDO:0008024, OMIM 158580.

Submission:

Labcorp Genetics (formerly Invitae), Labcorp
Classification: Uncertain significance for Neuronopathy, distal hereditary motor, type 7A; Congenital myasthenic syndrome 20. Last evaluated: 2017-07-31. Review status: criteria provided, single submitter. Criteria: Invitae Variant Classification Sherloc (09022015). Collection method: clinical testing. Allele origin: germline.
Comment: This variant is not present in population databases (ExAC no frequency). In summary, the available evidence is currently insufficient to determine the role of this variant in disease. Therefore, it has been classified as a Variant of Uncertain Significance. Algorithms developed to predict the effect of missense changes on protein structure and function (SIFT, PolyPhen-2, Align-GVGD) all suggest that this variant is likely to be disruptive, but these predictions have not been confirmed by published functional studies and their clinical significance is uncertain. This variant has not been reported in the literature in individuals with SLC5A7-related disease. This sequence change replaces alanine with valine at codon 293 of the SLC5A7 protein (p.Ala293Val). The alanine residue is highly conserved and there is a small physicochemical difference between alanine and valine.

NM_021815.5(SLC5A7):c.878C>T (p.Ala293Val)

Gene: SLC5A7 (solute carrier family 5 member 7; plus strand). Cytogenetic location: 2q12.3.
Variant type: single nucleotide variant.
Coding change: c.878C>T on transcript NM_021815.5 (MANE Select); coding-DNA position 878, C replaced by T.
Protein change: p.Ala293Val; replaces alanine 293 with valine.
Molecular consequence: missense variant.
Genome position (GRCh38, 1-based): chr2:108,006,185, C>T. VCF-style: chr2-108006185-C-T. GRCh37 (hg19) VCF-style: chr2-108622641-C-T.
Other names: c.878C>T, p.Ala293Val (NM_001305005.3); c.563C>T, p.Ala188Val (NM_001305006.3); c.137C>T, p.Ala46Val (NM_001305007.3); short protein forms A293V, A46V, A188V.
Identifiers: ClinVar variation 464176 (VCV000464176.5), dbSNP rs1553459529, ClinGen allele CA348113326.